The following is an entry in ClinVar:

ClinVar aggregate classification (germline): Benign/Likely benign. Review status: criteria provided, multiple submitters, no conflicts (2 of 4 stars). 3 submissions from 3 submitters: Benign (1); Likely benign (2). Last evaluated 2026-06-30.

Conditions:
Sessile serrated polyposis cancer syndrome (SSPCS). Identifiers: Orphanet 157798, MedGen C4310714, MONDO:0014919, OMIM 617108.

Allele frequency attached by ClinVar (database versions not stated): ExAC 0.00002; gnomAD exomes 0.00001.
gnomAD v4.1: 5 of 1,606,244 alleles (0.00031%); highest among the groups gnomAD compares: East Asian, 0.011%; no homozygotes.

Submissions (3):

Myriad Genetics, Inc.
Classification: Benign for Sessile serrated polyposis cancer syndrome. Last evaluated: 2026-06-30. Review status: criteria provided, single submitter. Criteria: Myriad Autosomal Dominant, Autosomal Recessive and X-Linked Classification Criteria (2023). Collection method: clinical testing. Allele origin: unknown.
Comment: This variant is considered benign. This variant is a silent/synonymous amino acid change and it is not expected to impact splicing.

Ambry Genetics
Classification: Likely benign. Last evaluated: 2025-01-10. Review status: criteria provided, single submitter. Criteria: Ambry Variant Classification Scheme 2023. Collection method: clinical testing. Allele origin: germline.

Labcorp Genetics (formerly Invitae), Labcorp
Classification: Likely benign. Last evaluated: 2023-12-09. Review status: criteria provided, single submitter. Criteria: Invitae Variant Classification Sherloc (09022015). Collection method: clinical testing. Allele origin: germline.

NM_017763.6(RNF43):c.726G>A (p.Gln242=)

Gene: RNF43 (ring finger protein 43; minus strand). Cytogenetic location: 17q22.
Variant type: single nucleotide variant.
Coding change: c.726G>A on transcript NM_017763.6 (MANE Select); coding-DNA position 726, G replaced by A.
Protein change: p.Gln242=; no amino-acid change (glutamine 242 retained).
Molecular consequence: synonymous variant.
Genome position (GRCh38, 1-based): chr17:58,360,906, C>T on the plus strand (G>A on the coding strand, the complement: RNF43 is on the minus strand). VCF-style: chr17-58360906-C-T. GRCh37 (hg19) VCF-style: chr17-56438267-C-T.
Other names: c.726G>A, p.Gln242= (NM_001305544.3); c.345G>A, p.Gln115= (NM_001305545.2).
Identifiers: ClinVar variation 2907180 (VCV002907180.5), dbSNP rs779091543, ClinGen allele CA8673313.